The following is an entry in ClinVar:

NM_000890.5(KCNJ5):c.260G>T (p.Arg87Leu)

Gene: KCNJ5 (potassium inwardly rectifying channel subfamily J member 5; plus strand). Cytogenetic location: 11q24.3.
Variant type: single nucleotide variant.
Coding change: c.260G>T on transcript NM_000890.5 (MANE Select); coding-DNA position 260, G replaced by T.
Protein change: p.Arg87Leu; replaces arginine 87 with leucine.
Molecular consequence: missense variant.
Genome position (GRCh38, 1-based): chr11:128,911,533, G>T. VCF-style: chr11-128911533-G-T. GRCh37 (hg19) VCF-style: chr11-128781428-G-T.
Other names: c.260G>T, p.Arg87Leu (NM_001354169.2); short protein forms R87L.
Identifiers: ClinVar variation 3706367 (VCV003706367.2).
Genomic context (GRCh38, chr11:128,911,533, plus strand): 5'-TCCAGGAGACCTACCGGTACCTGAGTGACCTCTTCACCACCCTGGTGGACCTCAAGTGGC[G>T]CTTCAACTTGCTCGTCTTCACCATGGTTTACACTGTCACCTGGCTGTTCTTCGGCTTCAT-3'
Protein context (NP_000881.3, residues 77-97): LFTTLVDLKW[Arg87Leu]FNLLVFTMVY

ClinVar aggregate classification (germline): Uncertain significance (1 of 4 stars; one submission).

Conditions:
Long QT syndrome (LQTS). Identifiers: MedGen C0023976, MeSH D008133, MONDO:0002442. Disease mechanism: loss of function. Inheritance: Various modes of inheritance.

Submission:

Labcorp Genetics (formerly Invitae), Labcorp
Classification: Uncertain significance for Long QT syndrome. Last evaluated: 2024-10-16. Review status: criteria provided, single submitter. Criteria: Invitae Variant Classification Sherloc (09022015). Collection method: clinical testing. Allele origin: germline.
Comment: This sequence change replaces arginine, which is basic and polar, with leucine, which is neutral and non-polar, at codon 87 of the KCNJ5 protein (p.Arg87Leu). This variant is not present in population databases (gnomAD no frequency). This variant has not been reported in the literature in individuals affected with KCNJ5-related conditions. Invitae Evidence Modeling of protein sequence and biophysical properties (such as structural, functional, and spatial information, amino acid conservation, physicochemical variation, residue mobility, and thermodynamic stability) indicates that this missense variant is expected to disrupt KCNJ5 protein function with a positive predictive value of 80%. In summary, the available evidence is currently insufficient to determine the role of this variant in disease. Therefore, it has been classified as a Variant of Uncertain Significance.